The following is an entry in ClinVar:

ClinVar aggregate classification (germline): Uncertain significance (1 of 4 stars; one submission).

Conditions:
Alagille syndrome due to a JAG1 point mutation. Also called: HEPATIC DUCTULAR HYPOPLASIA, SYNDROMATIC; Alagille Syndrome 1; JAG1-Related Alagille Syndrome. Identifiers: Orphanet 261619, Orphanet 52, MedGen C1956125, MONDO:0016862, OMIM 118450.

Submission:

Labcorp Genetics (formerly Invitae), Labcorp
Classification: Uncertain significance for Alagille syndrome due to a JAG1 point mutation. Last evaluated: 2024-03-07. Review status: criteria provided, single submitter. Criteria: Invitae Variant Classification Sherloc (09022015). Collection method: clinical testing. Allele origin: germline.
Comment: This sequence change replaces arginine, which is basic and polar, with glutamine, which is neutral and polar, at codon 64 of the JAG1 protein (p.Arg64Gln). Information on the frequency of this variant in the gnomAD database is not available, as this variant may be reported differently in the database. This variant has not been reported in the literature in individuals affected with JAG1-related conditions. ClinVar contains an entry for this variant (Variation ID: 1376497). An algorithm developed to predict the effect of missense changes on protein structure and function (PolyPhen-2) suggests that this variant is likely to be disruptive. In summary, the available evidence is currently insufficient to determine the role of this variant in disease. Therefore, it has been classified as a Variant of Uncertain Significance.

NM_000214.3(JAG1):c.191_192delinsAG (p.Arg64Gln)

Gene: JAG1 (jagged canonical Notch ligand 1; minus strand). Cytogenetic location: 20p12.2.
Variant type: Indel.
Coding change: c.191_192delinsAG on transcript NM_000214.3 (MANE Select); coding-DNA positions 191 to 192, GC replaced by AG.
Protein change: p.Arg64Gln; replaces arginine 64 with glutamine.
Molecular consequence: missense variant.
Genome position (GRCh38, 1-based): chr20:10,672,896-10,672,897, GC replaced by CT on the plus strand (GC replaced by AG on the coding strand, the reverse complement: JAG1 is on the minus strand). VCF-style: chr20-10672896-GC-CT. GRCh37 (hg19) VCF-style: chr20-10653544-GC-CT.
Other names: short protein forms R64Q.
Identifiers: ClinVar variation 1376497 (VCV001376497.6), dbSNP rs2122644702, ClinGen allele CA2573156849.